The following is an entry in ClinVar:

ClinVar aggregate classification (germline): Likely pathogenic (1 of 4 stars; one submission).

gnomAD v4.1: 1 of 1,614,108 alleles (0.000062%); highest among the groups gnomAD compares: African/African-American, 0.0013%; no homozygotes.

Submission:

Labcorp Genetics (formerly Invitae), Labcorp
Classification: Likely pathogenic. Last evaluated: 2023-10-29. Review status: criteria provided, single submitter. Criteria: Invitae Variant Classification Sherloc (09022015). Collection method: clinical testing. Allele origin: germline.
Comment: This sequence change affects a donor splice site in intron 7 of the TG gene. It is expected to disrupt RNA splicing. Variants that disrupt the donor or acceptor splice site typically lead to a loss of protein function (PMID: 16199547), and loss-of-function variants in TG are known to be pathogenic (PMID: 19837936, 23164529). This variant is not present in population databases (gnomAD no frequency). This variant has not been reported in the literature in individuals affected with TG-related conditions. Algorithms developed to predict the effect of sequence changes on RNA splicing suggest that this variant may disrupt the consensus splice site. In summary, the currently available evidence indicates that the variant is pathogenic, but additional data are needed to prove that conclusively. Therefore, this variant has been classified as Likely Pathogenic.

Literature cited by the submitters: PubMed 16199547; PubMed 19837936; PubMed 23164529.

NM_003235.5(TG):c.889+2T>G

Gene: TG (thyroglobulin; plus strand). Cytogenetic location: 8q24.22.
Variant type: single nucleotide variant.
Coding change: c.889+2T>G on transcript NM_003235.5 (MANE Select); the canonical splice donor site of the intron after coding-DNA position 889, T replaced by G.
Molecular consequence: splice donor variant.
Genome position (GRCh38, 1-based): chr8:132,882,614, T>G. VCF-style: chr8-132882614-T-G. GRCh37 (hg19) VCF-style: chr8-133894859-T-G.
Identifiers: ClinVar variation 2772694 (VCV002772694.3), dbSNP rs377652873, ClinGen allele CA372227689.